The following is an entry in ClinVar:

NM_003803.4(MYOM1):c.251G>C (p.Arg84Pro)

Gene: MYOM1 (myomesin 1; minus strand). Cytogenetic location: 18p11.31.
Variant type: single nucleotide variant.
Coding change: c.251G>C on transcript NM_003803.4 (MANE Select); coding-DNA position 251, G replaced by C.
Protein change: p.Arg84Pro; replaces arginine 84 with proline.
Molecular consequence: missense variant.
Genome position (GRCh38, 1-based): chr18:3,214,973, C>G on the plus strand (G>C on the coding strand, the complement: MYOM1 is on the minus strand). VCF-style: chr18-3214973-C-G. GRCh37 (hg19) VCF-style: chr18-3214971-C-G.
Other names: c.251G>C, p.Arg84Pro (NM_019856.2); short protein forms R84P.
Identifiers: ClinVar variation 520249 (VCV000520249.9), dbSNP rs756788476, ClinGen allele CA8875314.

ClinVar aggregate classification (germline): Conflicting classifications of pathogenicity. Review status: criteria provided, conflicting classifications (1 of 4 stars). 2 submissions from 2 submitters: Uncertain significance (1); Likely benign (1). Last evaluated 2026-01-26.

Conditions:
Cardiovascular phenotype. Identifiers: MedGen CN230736.
Hypertrophic cardiomyopathy. Also called: HYPERTROPHIC MYOCARDIOPATHY. Identifiers: Orphanet 217569, MedGen C0007194, MeSH D002312, MONDO:0005045, HP:0001639.

Allele frequency attached by ClinVar (database versions not stated): TOPMed 0.00002.
gnomAD v4.1: 26 of 1,608,898 alleles (0.0016%); highest among the groups gnomAD compares: Non-Finnish European, 0.00017%; no homozygotes.

Submissions (2):

Labcorp Genetics (formerly Invitae), Labcorp
Classification: Likely benign for Hypertrophic cardiomyopathy. Last evaluated: 2026-01-26. Review status: criteria provided, single submitter. Criteria: Invitae Variant Classification Sherloc (09022015). Collection method: clinical testing. Allele origin: germline.

Ambry Genetics
Classification: Uncertain significance for Cardiovascular phenotype. Last evaluated: 2013-01-11. Review status: criteria provided, single submitter. Criteria: Ambry Autosomal Dominant and X-Linked criteria (10/2015). Collection method: clinical testing. Allele origin: germline. Observed: 1 variant allele.
Comment: There is insufficient or conflicting evidence for classification of this alteration.